The following is an entry in ClinVar:

NM_001367624.2(ZNF469):c.11654C>T (p.Thr3885Ile)

Gene: ZNF469 (zinc finger protein 469; plus strand). Cytogenetic location: 16q24.2.
Variant type: single nucleotide variant.
Coding change: c.11654C>T on transcript NM_001367624.2 (MANE Select); coding-DNA position 11654, C replaced by T.
Protein change: p.Thr3885Ile; replaces threonine 3885 with isoleucine.
Molecular consequence: missense variant.
Genome position (GRCh38, 1-based): chr16:88,439,124, C>T. VCF-style: chr16-88439124-C-T. GRCh37 (hg19) VCF-style: chr16-88505532-C-T.
Other names: NM_001127464.1:c.11570C>T; short protein forms T3885I.
Identifiers: ClinVar variation 1735522 (VCV001735522.5), dbSNP rs997960249, ClinGen allele CA286388362.

ClinVar aggregate classification (germline): Uncertain significance. Review status: criteria provided, multiple submitters, no conflicts (2 of 4 stars). 2 submissions from 2 submitters: Uncertain significance (2). Last evaluated 2022-05-10.

Conditions:
Cardiovascular phenotype. Identifiers: MedGen CN230736.

Allele frequency attached by ClinVar (database versions not stated): gnomAD 0.00001; gnomAD exomes 0.00002.
gnomAD v4.1: 22 of 1,550,804 alleles (0.0014%); highest among the groups gnomAD compares: Non-Finnish European, 0.0018%; no homozygotes.

Submissions (2):

Labcorp Genetics (formerly Invitae), Labcorp
Classification: Uncertain significance. Last evaluated: 2022-05-10. Review status: criteria provided, single submitter. Criteria: Invitae Variant Classification Sherloc (09022015). Collection method: clinical testing. Allele origin: germline.
Comment: This sequence change replaces threonine, which is neutral and polar, with isoleucine, which is neutral and non-polar, at codon 3857 of the ZNF469 protein (p.Thr3857Ile). This variant is present in population databases (no rsID available, gnomAD 0.004%). This variant has not been reported in the literature in individuals affected with ZNF469-related conditions. Algorithms developed to predict the effect of missense changes on protein structure and function are either unavailable or do not agree on the potential impact of this missense change (SIFT: "Deleterious"; PolyPhen-2: "Benign"; Align-GVGD: "Class C0"). In summary, the available evidence is currently insufficient to determine the role of this variant in disease. Therefore, it has been classified as a Variant of Uncertain Significance.

Ambry Genetics
Classification: Uncertain significance for Cardiovascular phenotype. Last evaluated: 2019-11-01. Review status: criteria provided, single submitter. Criteria: Ambry Variant Classification Scheme 2023. Collection method: clinical testing. Allele origin: germline.
Comment: The p.T3857I variant (also known as c.11570C>T), located in coding exon 2 of the ZNF469 gene, results from a C to T substitution at nucleotide position 11570. The threonine at codon 3857 is replaced by isoleucine, an amino acid with similar properties. This amino acid position is poorly conserved in available vertebrate species. In addition, this alteration is predicted to be tolerated by in silico analysis. Since supporting evidence is limited at this time, the clinical significance of this alteration remains unclear.